The following is an entry in ClinVar:

ClinVar aggregate classification (germline): Uncertain significance (1 of 4 stars; one submission).

Submission:

Labcorp Genetics (formerly Invitae), Labcorp
Classification: Uncertain significance. Last evaluated: 2024-11-05. Review status: criteria provided, single submitter. Criteria: Invitae Variant Classification Sherloc (09022015). Collection method: clinical testing. Allele origin: germline.
Comment: This sequence change replaces glycine, which is neutral and non-polar, with arginine, which is basic and polar, at codon 580 of the COL11A1 protein (p.Gly580Arg). This variant is not present in population databases (gnomAD no frequency). This variant has not been reported in the literature in individuals affected with COL11A1-related conditions. ClinVar contains an entry for this variant (Variation ID: 1443178). Experimental studies and prediction algorithms are not available or were not evaluated, and the functional significance of this variant is currently unknown. Algorithms developed to predict the effect of sequence changes on RNA splicing suggest that this variant may disrupt the consensus splice site. In summary, the available evidence is currently insufficient to determine the role of this variant in disease. Therefore, it has been classified as a Variant of Uncertain Significance.

NM_001854.4(COL11A1):c.1738G>C (p.Gly580Arg)

Gene: COL11A1 (collagen type XI alpha 1 chain; minus strand). Cytogenetic location: 1p21.1.
Variant type: single nucleotide variant.
Coding change: c.1738G>C on transcript NM_001854.4 (MANE Select); coding-DNA position 1738, G replaced by C.
Protein change: p.Gly580Arg; replaces glycine 580 with arginine.
Molecular consequence: missense variant. On other transcripts: non-coding transcript variant (1).
Genome position (GRCh38, 1-based): chr1:103,006,121, C>G on the plus strand (G>C on the coding strand, the complement: COL11A1 is on the minus strand). VCF-style: chr1-103006121-C-G. GRCh37 (hg19) VCF-style: chr1-103471677-C-G.
Other names: c.1621G>C, p.Gly541Arg (NM_001190709.2); c.1774G>C, p.Gly592Arg (NM_080629.3); c.1390G>C, p.Gly464Arg (NM_080630.4); short protein forms G541R, G580R, G592R, G464R.
Identifiers: ClinVar variation 1443178 (VCV001443178.6), dbSNP rs2101852919, ClinGen allele CA341174074.